The following is an entry in ClinVar:

ClinVar aggregate classification (germline): Uncertain significance (1 of 4 stars; one submission).

Conditions:
Intellectual developmental disorder, autosomal dominant 1. Also called: MBD5 Haploinsufficiency; Intellectual disability, autosomal dominant 1. Identifiers: Orphanet 228402, MedGen C1969562, MONDO:0007974, OMIM 156200.

Allele frequency attached by ClinVar (database versions not stated): ExAC 0.00001; gnomAD exomes below 0.00001; gnomAD 0.00001.
gnomAD v4.1: 7 of 1,613,950 alleles (0.00043%); highest among the groups gnomAD compares: Non-Finnish European, 0.00059%; no homozygotes.

Submission:

Labcorp Genetics (formerly Invitae), Labcorp
Classification: Uncertain significance for Intellectual developmental disorder, autosomal dominant 1. Last evaluated: 2025-08-11. Review status: criteria provided, single submitter. Criteria: Invitae Variant Classification Sherloc (09022015). Collection method: clinical testing. Allele origin: germline.
Comment: This sequence change replaces leucine, which is neutral and non-polar, with proline, which is neutral and non-polar, at codon 1013 of the MBD5 protein (p.Leu1013Pro). This variant is present in population databases (rs745609507, gnomAD 0.002%). This variant has not been reported in the literature in individuals affected with MBD5-related conditions. ClinVar contains an entry for this variant (Variation ID: 1990998). Invitae Evidence Modeling of protein sequence and biophysical properties (such as structural, functional, and spatial information, amino acid conservation, physicochemical variation, residue mobility, and thermodynamic stability) indicates that this missense variant is not expected to disrupt MBD5 protein function with a negative predictive value of 80%. In summary, the available evidence is currently insufficient to determine the role of this variant in disease. Therefore, it has been classified as a Variant of Uncertain Significance.

NM_001378120.1(MBD5):c.3737T>C (p.Leu1246Pro)

Gene: MBD5 (methyl-CpG binding domain protein 5; plus strand). Cytogenetic location: 2q23.1.
Variant type: single nucleotide variant.
Coding change: c.3737T>C on transcript NM_001378120.1 (MANE Select); coding-DNA position 3737, T replaced by C.
Protein change: p.Leu1246Pro; replaces leucine 1246 with proline.
Molecular consequence: missense variant.
Genome position (GRCh38, 1-based): chr2:148,485,934, T>C. VCF-style: chr2-148485934-T-C. GRCh37 (hg19) VCF-style: chr2-149243503-T-C.
Other names: c.3038T>C, p.Leu1013Pro (NM_018328.5); short protein forms L1013P, L1246P.
Identifiers: ClinVar variation 1990998 (VCV001990998.4), dbSNP rs745609507, ClinGen allele CA1900312.